The following is an entry in ClinVar:

NM_152419.3(HGSNAT):c.743+1del

Gene: HGSNAT (heparan-alpha-glucosaminide N-acetyltransferase; plus strand). Cytogenetic location: 8p11.21.
Variant type: Deletion.
Coding change: c.743+1del on transcript NM_152419.3 (MANE Select); the canonical splice donor site of the intron after coding-DNA position 743, one base deleted (G; older notation c.743+1delG).
Molecular consequence: splice donor variant.
Genome position (GRCh38, 1-based): chr8:43,170,695, G deleted; the last of 5 consecutive G bases (chr8:43,170,691-43,170,695); deleting any one gives the same sequence. VCF-style (leftmost placement, unchanged base first): chr8-43170690-AG-A. GRCh37 (hg19) VCF-style: chr8-43025833-AG-A.
Other names: c.743+1delG (NM_152419.2); c.743+1del (NM_152419.2, NM_001363227.2, NM_001363228.2); c.-91+1del (NM_001363229.2).
Identifiers: ClinVar variation 558345 (VCV000558345.4), dbSNP rs1554531744, ClinGen allele CA658822602.

ClinVar aggregate classification (germline): Likely pathogenic. Review status: criteria provided, single submitter (1 of 4 stars). 3 submissions from 3 submitters: Likely pathogenic (1). 2 of the submissions do not count toward it. Last evaluated 2026-05-12.

Conditions:
Mucopolysaccharidosis, MPS-III-C (MPS3C). Also called: MPS IIIC (Sanfilippo Syndrome Type C); MPS III C; MUCOPOLYSACCHARIDOSIS, TYPE IIIC; SANFILIPPO SYNDROME C; Mucopolysaccharidosis type IIIC (Sanfilippo C); mucopolysaccharidosis type 3C. Identifiers: Orphanet 581, Orphanet 79271, MedGen C0086649, MONDO:0009657, OMIM 252930.

Submissions (3):

Myriad Genetics, Inc.
Classification: Likely pathogenic for Mucopolysaccharidosis, MPS-III-C. Last evaluated: 2026-05-12. Review status: criteria provided, single submitter. Criteria: Myriad Autosomal Dominant, Autosomal Recessive and X-Linked Classification Criteria (2023). Collection method: clinical testing. Allele origin: unknown.
Comment: NM_152419.2(HGSNAT):c.743+1delG is a variant in a canonical splice site classified as likely pathogenic in the context of mucopolysaccharidosis type IIIC. c.743+1delG has been observed in a case with relevant disease (PMID: 33576794). Relevant functional assessments of this variant are not available in the literature. c.743+1delG has not been observed in referenced population frequency databases. In summary, NM_152419.2(HGSNAT):c.743+1delG is a variant in a canonical splice site in a gene where loss of function is a known mechanism of disease and is predicted to disrupt protein function. Please note: this variant was assessed in the context of healthy population screening.

Natera, Inc.
Classification: Pathogenic for Mucopolysaccharidosis type IIIC. Last evaluated: 2025-02-04. Review status: no assertion criteria provided. Collection method: clinical testing. Allele origin: germline. Not counted in ClinVar's aggregate classification.

Counsyl
Classification: Likely pathogenic for Mucopolysaccharidosis, MPS-III-C. Last evaluated: 2018-05-15. Review status: no assertion criteria provided. Collection method: clinical testing. Allele origin: unknown. Not counted in ClinVar's aggregate classification.

Literature cited by the submitters: PubMed 33576794 (cited by Myriad Genetics, Inc.).